The following is an entry in ClinVar:

NM_022051.3(EGLN1):c.825C>A (p.Ser275Arg)

Genes: EGLN1 (egl-9 family hypoxia inducible factor 1; minus strand), LOC129932769 (ATAC-STARR-seq lymphoblastoid active region 2730; plus strand). Cytogenetic location: 1q42.2.
Variant type: single nucleotide variant.
Coding change: c.825C>A on transcript NM_022051.3 (MANE Select); coding-DNA position 825, C replaced by A.
Protein change: p.Ser275Arg; replaces serine 275 with arginine.
Molecular consequence: missense variant.
Genome position (GRCh38, 1-based): chr1:231,421,064, G>T on the plus strand (C>A on the coding strand, the complement: EGLN1 is on the minus strand). VCF-style: chr1-231421064-G-T. GRCh37 (hg19) VCF-style: chr1-231556810-G-T.
Other names: c.825C>A, p.Ser275Arg (NM_001377260.1, NM_001377261.1); short protein forms S275R.
Identifiers: ClinVar variation 3227747 (VCV003227747.1), dbSNP rs771660894, ClinGen allele CA1453101.

ClinVar aggregate classification (germline): Uncertain significance (1 of 4 stars; one submission).

Allele frequency attached by ClinVar (database versions not stated): gnomAD exomes below 0.00001; TOPMed below 0.00001; ExAC 0.00001; gnomAD 0.00001.
gnomAD v4.1: 2 of 1,614,042 alleles (0.00012%); highest among the groups gnomAD compares: Non-Finnish European, 0.00017%; no homozygotes.

Submission:

Ambry Genetics
Classification: Uncertain significance. Last evaluated: 2023-11-16. Review status: criteria provided, single submitter. Criteria: Ambry Variant Classification Scheme 2023. Collection method: clinical testing. Allele origin: germline.
Comment: The p.S275R variant (also known as c.825C>A), located in coding exon 1 of the EGLN1 gene, results from a C to A substitution at nucleotide position 825. The serine at codon 275 is replaced by arginine, an amino acid with dissimilar properties. This amino acid position is not well conserved in available vertebrate species. In addition, this alteration is predicted to be tolerated by in silico analysis. The evidence for this gene-disease relationship is limited; therefore, the clinical significance of this alteration is unclear.